The following is an entry in ClinVar:

NM_153676.4(USH1C):c.38T>C (p.Val13Ala)

Gene: USH1C (USH1 protein network component harmonin; minus strand). Cytogenetic location: 11p15.1.
Variant type: single nucleotide variant.
Coding change: c.38T>C on transcript NM_153676.4 (MANE Select); coding-DNA position 38, T replaced by C.
Protein change: p.Val13Ala; replaces valine 13 with alanine.
Molecular consequence: missense variant. On other transcripts: non-coding transcript variant (1).
Genome position (GRCh38, 1-based): chr11:17,533,321, A>G on the plus strand (T>C on the coding strand, the complement: USH1C is on the minus strand). VCF-style: chr11-17533321-A-G. GRCh37 (hg19) VCF-style: chr11-17554868-A-G.
Other names: DFNB18; c.38T>C, p.Val13Ala (NM_001297764.2, NM_005709.4); short protein forms V13A.
Identifiers: ClinVar variation 3393384 (VCV003393384.1).

ClinVar aggregate classification (germline): Likely pathogenic (1 of 4 stars; one submission).

Conditions:
Autosomal recessive nonsyndromic hearing loss 18A. Also called: DEAFNESS, AUTOSOMAL RECESSIVE 18; Deafness, autosomal recessive 18A. Identifiers: Orphanet 90636, MedGen C1865870, MONDO:0011192, OMIM 602092.

gnomAD v4.1: 1 of 1,611,444 alleles (0.000062%); highest among the groups gnomAD compares: Middle Eastern, 0.017%; no homozygotes.

Submission:

Laboratory of Prof. Karen Avraham, Tel Aviv University
Classification: Likely pathogenic for Autosomal recessive nonsyndromic hearing loss 18A. Last evaluated: 2014-12-24. Review status: criteria provided, single submitter. Criteria: ACMG Guidelines, 2015. Collection method: research. Allele origin: germline. Affected: yes. Observed: 1 variant allele.
Comment: The c.38T>C:p.(Val13Ala) variant is very rare and predicted pathogenic.